The following is an entry in ClinVar:

NM_018941.4(CLN8):c.18T>A (p.Asp6Glu)

Gene: CLN8 (CLN8 transmembrane ER and ERGIC protein; plus strand). Cytogenetic location: 8p23.3.
Variant type: single nucleotide variant.
Coding change: c.18T>A on transcript NM_018941.4 (MANE Select); coding-DNA position 18, T replaced by A.
Protein change: p.Asp6Glu; replaces aspartic acid 6 with glutamic acid.
Molecular consequence: missense variant.
Genome position (GRCh38, 1-based): chr8:1,771,072, T>A. VCF-style: chr8-1771072-T-A. GRCh37 (hg19) VCF-style: chr8-1719238-T-A.
Other names: short protein forms D6E.
Identifiers: ClinVar variation 1387519 (VCV001387519.6), dbSNP rs1464108080, ClinGen allele CA369952714.
Genomic context (GRCh38, chr8:1,771,072, plus strand): 5'-CCCGTGTTGGCCCCAGGACTCCTTTGGAATATAGCTGTGGACAATGAATCCTGCGAGCGA[T>A]GGGGGCACATCAGAGAGCATTTTTGACCTGGACTATGCATCCTGGGGGATCCGCTCCACG-3'
Protein context (NP_061764.2, residues 1-16): MNPAS[Asp6Glu]GGTSESIFDL

ClinVar aggregate classification (germline): Uncertain significance (1 of 4 stars; one submission).

Conditions:
Neuronal ceroid lipofuscinosis. Also called: Neuronal Ceroid Lipofuscinoses. Identifiers: Orphanet 216, Orphanet 79263, MedGen C0027877, MONDO:0016295. Disease mechanism: loss of function.

Submission:

Labcorp Genetics (formerly Invitae), Labcorp
Classification: Uncertain significance for Neuronal ceroid lipofuscinosis. Last evaluated: 2022-07-26. Review status: criteria provided, single submitter. Criteria: Invitae Variant Classification Sherloc (09022015). Collection method: clinical testing. Allele origin: germline.
Comment: In summary, the available evidence is currently insufficient to determine the role of this variant in disease. Therefore, it has been classified as a Variant of Uncertain Significance. Advanced modeling of protein sequence and biophysical properties (such as structural, functional, and spatial information, amino acid conservation, physicochemical variation, residue mobility, and thermodynamic stability) performed at Invitae indicates that this missense variant is not expected to disrupt CLN8 protein function. ClinVar contains an entry for this variant (Variation ID: 1387519). This variant has not been reported in the literature in individuals affected with CLN8-related conditions. This variant is not present in population databases (gnomAD no frequency). This sequence change replaces aspartic acid, which is acidic and polar, with glutamic acid, which is acidic and polar, at codon 6 of the CLN8 protein (p.Asp6Glu).